The following is an entry in ClinVar:

NM_006206.6(PDGFRA):c.25C>T (p.Leu9=)

Gene: PDGFRA (platelet derived growth factor receptor alpha; plus strand). Cytogenetic location: 4q12.
Variant type: single nucleotide variant.
Coding change: c.25C>T on transcript NM_006206.6 (MANE Select); coding-DNA position 25, C replaced by T.
Protein change: p.Leu9=; no amino-acid change (leucine 9 retained).
Molecular consequence: synonymous variant.
Genome position (GRCh38, 1-based): chr4:54,258,793, C>T. VCF-style: chr4-54258793-C-T. GRCh37 (hg19) VCF-style: chr4-55124960-C-T.
Other names: c.25C>T, p.Leu9= (NM_001347827.2, NM_001347829.2); c.100C>T, p.Leu34= (NM_001347828.2); c.64C>T, p.Leu22= (NM_001347830.2).
Identifiers: ClinVar variation 414491 (VCV000414491.16), dbSNP rs375117626, ClinGen allele CA2922202.

ClinVar aggregate classification (germline): Conflicting classifications of pathogenicity. Review status: criteria provided, conflicting classifications (1 of 4 stars). 4 submissions from 4 submitters: Uncertain significance (1); Benign (1); Likely benign (2). Last evaluated 2026-06-16.

Conditions:
Hereditary cancer-predisposing syndrome. Also called: Neoplastic Syndromes, Hereditary; Hereditary Cancer Syndrome; Hereditary neoplastic syndrome; Tumor predisposition. Identifiers: Orphanet 140162, MedGen C0027672, MeSH D009386, MONDO:0015356.
Polyps, multiple and recurrent inflammatory fibroid, gastrointestinal. Identifiers: MedGen C5193005, MONDO:0008285, OMIM 175510.
Gastrointestinal stromal tumor. Also called: Gastrointestinal stroma tumor; Gastrointestinal stromal tumor, somatic. Identifiers: Orphanet 44890, MedGen C0238198, MeSH D046152, MONDO:0011719, OMIM 606764, HP:0100723.

Allele frequency attached by ClinVar (database versions not stated): TOPMed below 0.00001; gnomAD 0.00001 and below 0.00001; gnomAD exomes 0.00001 and 0.00002; ExAC 0.00004; ESP Exome Variant Server 0.00008.
gnomAD v4.1: 12 of 1,613,730 alleles (0.00074%); highest among the groups gnomAD compares: South Asian, 0.0099%; no homozygotes.

Submissions (4):

Myriad Genetics, Inc.
Classification: Benign for Polyps, multiple and recurrent inflammatory fibroid, gastrointestinal. Last evaluated: 2026-06-16. Review status: criteria provided, single submitter. Criteria: Myriad Autosomal Dominant, Autosomal Recessive and X-Linked Classification Criteria (2023). Collection method: clinical testing. Allele origin: unknown.
Comment: This variant is considered benign. This variant is a silent/synonymous amino acid change and it is not expected to impact splicing.

Labcorp Genetics (formerly Invitae), Labcorp
Classification: Likely benign for Gastrointestinal stromal tumor. Last evaluated: 2025-12-24. Review status: criteria provided, single submitter. Criteria: Invitae Variant Classification Sherloc (09022015). Collection method: clinical testing. Allele origin: germline.

GeneDx
Classification: Uncertain significance. Last evaluated: 2024-05-06. Review status: criteria provided, single submitter. Criteria: GeneDx Variant Classification Process June 2021. Collection method: clinical testing. Allele origin: germline. Affected: yes.
Comment: In silico analysis indicates that this variant does not alter splicing; Has not been previously published as pathogenic or benign to our knowledge

Ambry Genetics
Classification: Likely benign for Hereditary cancer-predisposing syndrome. Last evaluated: 2020-01-29. Review status: criteria provided, single submitter. Criteria: Ambry Variant Classification Scheme 2023. Collection method: clinical testing. Allele origin: germline.